The following is an entry in ClinVar:

NM_024675.4(PALB2):c.416A>C (p.Gln139Pro)

Gene: PALB2 (partner and localizer of BRCA2; minus strand). Cytogenetic location: 16p12.2.
Variant type: single nucleotide variant.
Coding change: c.416A>C on transcript NM_024675.4 (MANE Select); coding-DNA position 416, A replaced by C.
Protein change: p.Gln139Pro; replaces glutamine 139 with proline.
Molecular consequence: missense variant.
Genome position (GRCh38, 1-based): chr16:23,636,130, T>G on the plus strand (A>C on the coding strand, the complement: PALB2 is on the minus strand). VCF-style: chr16-23636130-T-G. GRCh37 (hg19) VCF-style: chr16-23647451-T-G.
Other names: short protein forms Q139P.
Identifiers: ClinVar variation 923417 (VCV000923417.16), dbSNP rs1555461800, ClinGen allele CA395137351.
Genomic context (GRCh38, chr16:23,636,130, plus strand): 5'-TCCTGTGAAATAAATGTCCTCTTCTGCTGCTTCTTTCTTCTGCTTGGCAGCTTCTGCTTT[T>G]GCTCACCACTAGGGTCACTGACCCTGTGGGGAAAATGTTCTTGGGTGTCATCTGTTCTTT-3'
Protein context (NP_078951.2, residues 129-149): PHRVSDPSGE[Gln139Pro]KQKLPSRRKK

ClinVar aggregate classification (germline): Conflicting classifications of pathogenicity. Review status: criteria provided, conflicting classifications (1 of 4 stars). 4 submissions from 4 submitters: Uncertain significance (3); Likely benign (1). Last evaluated 2026-02-19.

Conditions:
Hereditary cancer-predisposing syndrome. Also called: Tumor predisposition; Hereditary neoplastic syndrome; Hereditary Cancer Syndrome; Neoplastic Syndromes, Hereditary. Identifiers: Orphanet 140162, MedGen C0027672, MeSH D009386, MONDO:0015356.
Familial cancer of breast. Also called: BREAST CANCER, FAMILIAL; Hereditary breast cancer; hereditary breast carcinoma. Identifiers: Orphanet 227535, MedGen C0346153, MONDO:0016419, OMIM 114480. Disease mechanism: loss of function.

Allele frequency attached by ClinVar (database versions not stated): TOPMed below 0.00001.

Submissions (4):

Ambry Genetics
Classification: Likely benign for Hereditary cancer-predisposing syndrome. Last evaluated: 2026-02-19. Review status: criteria provided, single submitter. Criteria: Ambry Variant Classification Scheme 2023. Collection method: clinical testing. Allele origin: germline.

Clinical Genetics Laboratory, Skane University Hospital Lund
Classification: Uncertain significance. Last evaluated: 2024-03-28. Review status: criteria provided, single submitter. Criteria: ACMG Guidelines, 2015. Collection method: clinical testing. Allele origin: germline. Affected: yes.

Color Diagnostics, LLC DBA Color Health
Classification: Uncertain significance for Hereditary cancer-predisposing syndrome. Last evaluated: 2022-03-28. Review status: criteria provided, single submitter. Criteria: ACMG Guidelines, 2015. Collection method: clinical testing. Allele origin: germline.
Comment: This missense variant replaces glutamine with proline at codon 139 of the PALB2 protein. Computational prediction suggests that this variant may not impact protein structure and function (internally defined REVEL score threshold <= 0.5, PMID: 27666373). To our knowledge, functional studies have not been reported for this variant. This variant has not been reported in individuals affected with hereditary cancer in the literature. This variant has not been identified in the general population by the Genome Aggregation Database (gnomAD). The available evidence is insufficient to determine the role of this variant in disease conclusively. Therefore, this variant is classified as a Variant of Uncertain Significance.

Labcorp Genetics (formerly Invitae), Labcorp
Classification: Uncertain significance for Familial cancer of breast. Last evaluated: 2020-05-24. Review status: criteria provided, single submitter. Criteria: Invitae Variant Classification Sherloc (09022015). Collection method: clinical testing. Allele origin: germline.
Comment: Algorithms developed to predict the effect of missense changes on protein structure and function (SIFT, PolyPhen-2, Align-GVGD) all suggest that this variant is likely to be tolerated, but these predictions have not been confirmed by published functional studies and their clinical significance is uncertain. This variant has not been reported in the literature in individuals with PALB2-related conditions. This variant is not present in population databases (ExAC no frequency). This sequence change replaces glutamine with proline at codon 139 of the PALB2 protein (p.Gln139Pro). The glutamine residue is weakly conserved and there is a moderate physicochemical difference between glutamine and proline. In summary, the available evidence is currently insufficient to determine the role of this variant in disease. Therefore, it has been classified as a Variant of Uncertain Significance.